The following is an entry in ClinVar:

NM_032043.3(BRIP1):c.1107C>A (p.Tyr369Ter)

Gene: BRIP1 (BRCA1 interacting DNA helicase 1; minus strand). Cytogenetic location: 17q23.2.
Variant type: single nucleotide variant.
Coding change: c.1107C>A on transcript NM_032043.3 (MANE Select); coding-DNA position 1107, C replaced by A.
Protein change: p.Tyr369Ter; replaces tyrosine 369 with a stop codon.
Molecular consequence: nonsense.
Genome position (GRCh38, 1-based): chr17:61,801,286, G>T on the plus strand (C>A on the coding strand, the complement: BRIP1 is on the minus strand). VCF-style: chr17-61801286-G-T. GRCh37 (hg19) VCF-style: chr17-59878647-G-T.
Other names: short protein forms Y369*.
Identifiers: ClinVar variation 1320025 (VCV001320025.4), dbSNP rs1489355776, ClinGen allele CA400483918.

ClinVar aggregate classification (germline): Pathogenic. Review status: criteria provided, single submitter (1 of 4 stars). 2 submissions from 2 submitters: Pathogenic (1). 1 of the submissions does not count toward it. Last evaluated 2025-09-17.

Conditions:
Familial cancer of breast. Also called: Hereditary breast cancer; hereditary breast carcinoma; BREAST CANCER, FAMILIAL. Identifiers: Orphanet 227535, MedGen C0346153, MONDO:0016419, OMIM 114480. Disease mechanism: loss of function.

Submissions (2):

Myriad Genetics, Inc.
Classification: Pathogenic for Familial cancer of breast. Last evaluated: 2025-09-17. Review status: criteria provided, single submitter. Criteria: Myriad Autosomal Dominant, Autosomal Recessive and X-Linked Classification Criteria (2023). Collection method: clinical testing. Allele origin: unknown.
Comment: This variant is considered pathogenic. This variant creates a termination codon and is predicted to result in premature protein truncation.

MVZ Praenatalmedizin und Genetik Nuernberg
Classification: Pathogenic for Familial cancer of breast. Last evaluated: 2021-10-31. Review status: no assertion criteria provided. Collection method: clinical testing. Allele origin: germline. Inheritance: Autosomal dominant inheritance. Affected: no. Observed: 1 heterozygote. Not counted in ClinVar's aggregate classification.
Comment: This variant was not listed in the databases (ClinVar, LOVD). GnomAD shows no entry for this variant (very rare or private variant). This variant in exon 8 of BRIP1 results in a premature stop-codon. Thus, we expect a loss of function. We therefore classify this variant as pathogenic.